The following is an entry in ClinVar:

ClinVar aggregate classification (germline): Uncertain significance. Review status: criteria provided, multiple submitters, no conflicts (2 of 4 stars). 3 submissions from 3 submitters: Uncertain significance (3). Last evaluated 2025-12-15.

Conditions:
Inborn genetic diseases. Identifiers: MedGen C0950123, MeSH D030342.
Mosaic variegated aneuploidy syndrome 2 (MVA2). Identifiers: Orphanet 1052, MedGen C3279843, MONDO:0013582, OMIM 614114.

Allele frequency attached by ClinVar (database versions not stated): ExAC 0.00002; TOPMed 0.00002.
gnomAD v4.1: 19 of 1,613,884 alleles (0.0012%); highest among the groups gnomAD compares: East Asian, 0.0067%; no homozygotes.

Submissions (3):

Ambry Genetics
Classification: Uncertain significance for Inborn genetic diseases. Last evaluated: 2025-12-15. Review status: criteria provided, single submitter. Criteria: Ambry Variant Classification Scheme 2023. Collection method: clinical testing. Allele origin: germline.

Labcorp Genetics (formerly Invitae), Labcorp
Classification: Uncertain significance for Mosaic variegated aneuploidy syndrome 2. Last evaluated: 2024-07-10. Review status: criteria provided, single submitter. Criteria: Invitae Variant Classification Sherloc (09022015). Collection method: clinical testing. Allele origin: germline.
Comment: This sequence change replaces arginine, which is basic and polar, with tryptophan, which is neutral and slightly polar, at codon 30 of the CEP57 protein (p.Arg30Trp). This variant is present in population databases (rs749693319, gnomAD 0.02%). This variant has not been reported in the literature in individuals affected with CEP57-related conditions. ClinVar contains an entry for this variant (Variation ID: 570921). Advanced modeling of protein sequence and biophysical properties (such as structural, functional, and spatial information, amino acid conservation, physicochemical variation, residue mobility, and thermodynamic stability) performed at Invitae indicates that this missense variant is not expected to disrupt CEP57 protein function with a negative predictive value of 80%. In summary, the available evidence is currently insufficient to determine the role of this variant in disease. Therefore, it has been classified as a Variant of Uncertain Significance.

Fulgent Genetics
Classification: Uncertain significance for Mosaic variegated aneuploidy syndrome 2. Last evaluated: 2018-10-31. Review status: criteria provided, single submitter. Criteria: ACMG Guidelines, 2015. Collection method: clinical testing. Allele origin: unknown.

NM_014679.5(CEP57):c.88C>T (p.Arg30Trp)

Gene: CEP57 (centrosomal protein 57; plus strand). Cytogenetic location: 11q21.
Variant type: single nucleotide variant.
Coding change: c.88C>T on transcript NM_014679.5 (MANE Select); coding-DNA position 88, C replaced by T.
Protein change: p.Arg30Trp; replaces arginine 30 with tryptophan.
Molecular consequence: missense variant.
Genome position (GRCh38, 1-based): chr11:95,799,274, C>T. VCF-style: chr11-95799274-C-T. GRCh37 (hg19) VCF-style: chr11-95532438-C-T.
Other names: c.61C>T, p.Arg21Trp (NM_001243776.2); c.88C>T, p.Arg30Trp (NM_001243777.2); c.7C>T, p.Arg3Trp (NM_001363604.2); short protein forms R30W, R3W, R21W.
Identifiers: ClinVar variation 570921 (VCV000570921.11), dbSNP rs749693319, ClinGen allele CA6239362.
Genomic context (GRCh38, chr11:95,799,274, plus strand): 5'-TGTGTCTTTATTTTTTAGAACAGCTTTGCTGAGCCATCAAGGTCTAATGGAAGCATGGTT[C>T]GGCATTCTTCATCTCCATATGTAGTATATCCTTCGGATAAGCCTTTCCTTAATAGTGATC-3'
Protein context (NP_055494.2, residues 20-40): EPSRSNGSMV[Arg30Trp]HSSSPYVVYP